The following is an entry in ClinVar:

NM_175875.5(SIX5):c.1655C>T (p.Thr552Met)

Gene: SIX5 (SIX homeobox 5; minus strand). Cytogenetic location: 19q13.32.
Variant type: single nucleotide variant.
Coding change: c.1655C>T on transcript NM_175875.5 (MANE Select); coding-DNA position 1655, C replaced by T.
Protein change: p.Thr552Met; replaces threonine 552 with methionine.
Molecular consequence: missense variant.
Genome position (GRCh38, 1-based): chr19:45,766,066, G>A on the plus strand (C>T on the coding strand, the complement: SIX5 is on the minus strand). VCF-style: chr19-45766066-G-A. GRCh37 (hg19) VCF-style: chr19-46269324-G-A.
Other names: c.1655C>T (NM_175875.4); short protein forms T552M.
Identifiers: ClinVar variation 8601 (VCV000008601.19), dbSNP rs80356464, ClinGen allele CA340801.

ClinVar aggregate classification (germline): Conflicting classifications of pathogenicity. Review status: criteria provided, conflicting classifications (1 of 4 stars). 7 submissions from 7 submitters: Uncertain significance (4); Likely benign (1). 2 of the submissions do not count toward it. Last evaluated 2026-04-01.

Conditions:
SIX5-related disorder. Also called: SIX5-related condition.
Branchiootorenal syndrome 2 (BOR2). Identifiers: Orphanet 107, MedGen C1970479, MONDO:0012575, OMIM 610896.

Allele frequency attached by ClinVar (database versions not stated): 1000 Genomes Project 0.00020; gnomAD 0.00023; gnomAD exomes 0.00025; 1000 Genomes Project 30x 0.00031; TOPMed 0.00039.

Submissions (7):

CeGaT Center for Human Genetics Tuebingen
Classification: Likely benign. Last evaluated: 2026-04-01. Review status: criteria provided, single submitter. Criteria: CeGaT Center For Human Genetics Tuebingen Variant Classification Criteria Version 2. Collection method: clinical testing. Allele origin: germline. Affected: yes. Observed: 1 variant allele.
Comment: SIX5: BS2

PreventionGenetics, part of Exact Sciences
Classification: Uncertain significance for SIX5-related condition. Last evaluated: 2025-12-22. Review status: criteria provided, single submitter. Criteria: ACMG Guidelines, 2015. Collection method: clinical testing. Allele origin: germline.
Comment: The SIX5 c.1655C>T variant is predicted to result in the amino acid substitution p.Thr552Met. This variant was reported in two individuals with branchio-oto-renal syndrome and one individual with unilateral renal agenesis (Hoskins et al. 2007. PubMed ID: 17357085; Table S2, Hwang et al. 2014. PubMed ID: 24429398). This variant is reported in 0.12% of alleles in individuals of Ashkenazi Jewish descent in gnomAD, which is higher than expected for a fully penetrant pathogenic variant. Although we suspect that this variant may be benign, at this time, the clinical significance of this variant is uncertain due to the absence of conclusive functional and genetic evidence.

Labcorp Genetics (formerly Invitae), Labcorp
Classification: Uncertain significance. Last evaluated: 2025-11-19. Review status: criteria provided, single submitter. Criteria: Invitae Variant Classification Sherloc (09022015). Collection method: clinical testing. Allele origin: germline.
Comment: This sequence change replaces threonine, which is neutral and polar, with methionine, which is neutral and non-polar, at codon 552 of the SIX5 protein (p.Thr552Met). This variant is present in population databases (rs80356464, gnomAD 0.1%), and has an allele count higher than expected for a pathogenic variant. This missense change has been observed in individual(s) with branchio-oto-renal syndrome (PMID: 17357085, 24429398). ClinVar contains an entry for this variant (Variation ID: 8601). Invitae Evidence Modeling of protein sequence and biophysical properties (such as structural, functional, and spatial information, amino acid conservation, physicochemical variation, residue mobility, and thermodynamic stability) indicates that this missense variant is not expected to disrupt SIX5 protein function with a negative predictive value of 80%. Experimental studies have shown that this missense change affects SIX5 function (PMID: 17357085). In summary, the available evidence is currently insufficient to determine the role of this variant in disease. Therefore, it has been classified as a Variant of Uncertain Significance.

Department of Pathology and Laboratory Medicine, Sinai Health System
Classification: Uncertain significance for Branchiootorenal syndrome 2. Last evaluated: 2022-08-31. Review status: criteria provided, single submitter. Criteria: ACMG Guidelines, 2015. Collection method: research. Allele origin: germline.

Mendelics
Classification: Uncertain significance for Branchiootorenal syndrome 2. Last evaluated: 2019-05-28. Review status: criteria provided, single submitter. Criteria: Mendelics Assertion Criteria 2017. Collection method: clinical testing. Allele origin: unknown.

OMIM
Classification: Uncertain significance for RECLASSIFIED - VARIANT OF UNKNOWN SIGNIFICANCE. Last evaluated: 2011-02-01. Review status: no assertion criteria provided. Collection method: literature only. Allele origin: germline. Not counted in ClinVar's aggregate classification.

GeneReviews
No classification provided. Condition: Branchiootorenal syndrome 2. Review status: no classification provided. Collection method: literature only. Allele origin: germline. Not counted in ClinVar's aggregate classification.

Literature cited by the submitters: PubMed 17357085 (cited by 3 submitters); PubMed 24429398 (cited by Labcorp Genetics (formerly Invitae), Labcorp); PubMed 21280147 (cited by OMIM).